The following is an entry in ClinVar:

ClinVar aggregate classification (germline): Conflicting classifications of pathogenicity. Review status: criteria provided, conflicting classifications (1 of 4 stars). 2 submissions from 2 submitters: Uncertain significance (1); Likely benign (1). Last evaluated 2025-11-12.

Conditions:
Nemaline myopathy 2 (NEM2). Also called: Nemaline myopathy 2, autosomal recessive. Identifiers: MedGen C1850569, MONDO:0009725, OMIM 256030.

Allele frequency attached by ClinVar (database versions not stated): gnomAD exomes 0.00001 and 0.00002; ExAC 0.00001; gnomAD 0.00002; TOPMed 0.00002.

Submissions (2):

Labcorp Genetics (formerly Invitae), Labcorp
Classification: Likely benign for Nemaline myopathy 2. Last evaluated: 2025-11-12. Review status: criteria provided, single submitter. Criteria: Invitae Variant Classification Sherloc (09022015). Collection method: clinical testing. Allele origin: germline.

GeneDx
Classification: Uncertain significance. Last evaluated: 2020-03-04. Review status: criteria provided, single submitter. Criteria: GeneDx Variant Classification Process June 2021. Collection method: clinical testing. Allele origin: germline. Affected: yes.
Comment: Has not been previously published as pathogenic or benign to our knowledge; In silico analysis, which includes protein predictors and evolutionary conservation, supports that this variant does not alter protein structure/function; Not observed at a significant frequency in large population cohorts (Lek et al., 2016)

NM_001164508.2(NEB):c.5704A>G (p.Met1902Val)

Gene: NEB (nebulin; minus strand). Cytogenetic location: 2q23.3.
Variant type: single nucleotide variant.
Coding change: c.5704A>G on transcript NM_001164508.2 (MANE Select); coding-DNA position 5704, A replaced by G.
Protein change: p.Met1902Val; replaces methionine 1902 with valine.
Molecular consequence: missense variant.
Genome position (GRCh38, 1-based): chr2:151,663,607, T>C on the plus strand (A>G on the coding strand, the complement: NEB is on the minus strand). VCF-style: chr2-151663607-T-C. GRCh37 (hg19) VCF-style: chr2-152520121-T-C.
Other names: c.5704A>G, p.Met1902Val (NM_001164507.2, NM_001271208.2, NM_004543.5); short protein forms M1902V.
Identifiers: ClinVar variation 1307135 (VCV001307135.5), dbSNP rs746809883, ClinGen allele CA1910301.